The following is an entry in ClinVar:

ClinVar aggregate classification (germline): Uncertain significance (1 of 4 stars; one submission).

Conditions:
Inborn genetic diseases. Identifiers: MedGen C0950123, MeSH D030342.

Allele frequency attached by ClinVar (database versions not stated): gnomAD exomes below 0.00001.
gnomAD v4.1: 3 of 1,612,952 alleles (0.00019%); highest among the groups gnomAD compares: Non-Finnish European, 0.00025%; no homozygotes.

Submission:

Ambry Genetics
Classification: Uncertain significance for Inborn genetic diseases. Last evaluated: 2022-04-06. Review status: criteria provided, single submitter. Criteria: Ambry Variant Classification Scheme 2023. Collection method: clinical testing. Allele origin: germline.
Comment: The p.M327T variant (also known as c.980T>C), located in coding exon 7 of the SMAD2 gene, results from a T to C substitution at nucleotide position 980. The methionine at codon 327 is replaced by threonine, an amino acid with similar properties. This amino acid position is conserved. In addition, this alteration is predicted to be deleterious by in silico analysis. Since supporting evidence is limited at this time, the clinical significance of this alteration remains unclear.

NM_005901.6(SMAD2):c.980T>C (p.Met327Thr)

Gene: SMAD2 (SMAD family member 2; minus strand). Cytogenetic location: 18q21.1.
Variant type: single nucleotide variant.
Coding change: c.980T>C on transcript NM_005901.6 (MANE Select); coding-DNA position 980, T replaced by C.
Protein change: p.Met327Thr; replaces methionine 327 with threonine.
Molecular consequence: missense variant.
Genome position (GRCh38, 1-based): chr18:47,848,492, A>G on the plus strand (T>C on the coding strand, the complement: SMAD2 is on the minus strand). VCF-style: chr18-47848492-A-G. GRCh37 (hg19) VCF-style: chr18-45374863-A-G.
Other names: c.980T>C, p.Met327Thr (NM_001003652.4); c.890T>C, p.Met297Thr (NM_001135937.3); short protein forms M297T, M327T.
Identifiers: ClinVar variation 1768287 (VCV001768287.2), dbSNP rs2144299455, ClinGen allele CA402504270.
Genomic context (GRCh38, chr18:47,848,492, plus strand): 5'-GTATACAGCATTTATTTTTCACAACAAGGAAAATAAAACATACCTATATGCCTTCTTGTC[A>G]TTTCTACCGTGGCATTTCGGTTAACATTGGAGAGTAAACCTAAGCAGAACCTCTCTGAAT-3'
Protein context (NP_005892.1, residues 317-337): SNVNRNATVE[Met327Thr]TRRHIGRGVR